The following is an entry in ClinVar:

ClinVar aggregate classification (germline): Uncertain significance. Review status: criteria provided, multiple submitters, no conflicts (2 of 4 stars). 2 submissions from 2 submitters: Uncertain significance (2). Last evaluated 2020-02-06.

Conditions:
Autoinflammatory syndrome. Identifiers: Orphanet 93665, MedGen C3890737, MONDO:0019751.
Chédiak-Higashi syndrome (CHS). Also called: Chediak-Higashi Syndrome. Identifiers: Orphanet 167, MedGen C0007965, MONDO:0008963, OMIM 214500.

Allele frequency attached by ClinVar (database versions not stated): TOPMed below 0.00001.

Submissions (2):

Labcorp Genetics (formerly Invitae), Labcorp
Classification: Uncertain significance for Chédiak-Higashi syndrome. Last evaluated: 2020-02-06. Review status: criteria provided, single submitter. Criteria: Invitae Variant Classification Sherloc (09022015). Collection method: clinical testing. Allele origin: germline.
Comment: This sequence change affects codon 3458 of the LYST mRNA. It is a 'silent' change, meaning that it does not change the encoded amino acid sequence of the LYST protein. This variant also falls at the last nucleotide of exon 45 of the LYST coding sequence, which is part of the consensus splice site for this exon. This variant is not present in population databases (ExAC no frequency). This variant has not been reported in the literature in individuals with LYST-related conditions. Nucleotide substitutions within the consensus splice site are a relatively common cause of aberrant splicing (PMID: 17576681, 9536098). Algorithms developed to predict the effect of sequence changes on RNA splicing suggest that this variant may disrupt the consensus splice site, but this prediction has not been confirmed by published transcriptional studies. In summary, the available evidence is currently insufficient to determine the role of this variant in disease. Therefore, it has been classified as a Variant of Uncertain Significance.

Genome Diagnostics Laboratory, The Hospital for Sick Children
Classification: Uncertain significance for Autoinflammatory syndrome. Last evaluated: 2018-12-01. Review status: criteria provided, single submitter. Criteria: ACMG Guidelines, 2015. Collection method: clinical testing. Allele origin: germline. Affected: yes.

Literature cited by the submitters: PubMed 17576681 (cited by Labcorp Genetics (formerly Invitae), Labcorp); PubMed 9536098 (cited by Labcorp Genetics (formerly Invitae), Labcorp).

NM_000081.4(LYST):c.10374G>A (p.Pro3458=)

Gene: LYST (lysosomal trafficking regulator; minus strand). Cytogenetic location: 1q42.3.
Variant type: single nucleotide variant.
Coding change: c.10374G>A on transcript NM_000081.4 (MANE Select); coding-DNA position 10374, G replaced by A.
Protein change: p.Pro3458=; no amino-acid change (proline 3458 retained).
Molecular consequence: synonymous variant.
Genome position (GRCh38, 1-based): chr1:235,702,747, C>T on the plus strand (G>A on the coding strand, the complement: LYST is on the minus strand). VCF-style: chr1-235702747-C-T. GRCh37 (hg19) VCF-style: chr1-235866047-C-T.
Other names: c.10374G>A, p.Pro3458= (NM_001301365.1).
Identifiers: ClinVar variation 1013685 (VCV001013685.5), dbSNP rs1661644862, ClinGen allele CA423760791.